The following is an entry in ClinVar:

NM_006922.4(SCN3A):c.2070G>C (p.Gln690His)

Gene: SCN3A (sodium voltage-gated channel alpha subunit 3; minus strand). Cytogenetic location: 2q24.3.
Variant type: single nucleotide variant.
Coding change: c.2070G>C on transcript NM_006922.4 (MANE Select); coding-DNA position 2070, G replaced by C.
Protein change: p.Gln690His; replaces glutamine 690 with histidine.
Molecular consequence: missense variant.
Genome position (GRCh38, 1-based): chr2:165,139,558, C>G on the plus strand (G>C on the coding strand, the complement: SCN3A is on the minus strand). VCF-style: chr2-165139558-C-G. GRCh37 (hg19) VCF-style: chr2-165996068-C-G.
Other names: c.1923G>C, p.Gln641His (NM_001081676.2, NM_001081677.2); short protein forms Q641H, Q690H.
Identifiers: ClinVar variation 1363935 (VCV001363935.6), dbSNP rs769734235, ClinGen allele CA1939023.

ClinVar aggregate classification (germline): Uncertain significance (1 of 4 stars; one submission).

Allele frequency attached by ClinVar (database versions not stated): TOPMed below 0.00001; gnomAD 0.00001.
gnomAD v4.1: 13 of 1,613,820 alleles (0.00081%); highest among the groups gnomAD compares: Non-Finnish European, 0.00093%; no homozygotes.

Submission:

Labcorp Genetics (formerly Invitae), Labcorp
Classification: Uncertain significance. Last evaluated: 2022-08-09. Review status: criteria provided, single submitter. Criteria: Invitae Variant Classification Sherloc (09022015). Collection method: clinical testing. Allele origin: germline.
Comment: This sequence change replaces glutamine, which is neutral and polar, with histidine, which is basic and polar, at codon 690 of the SCN3A protein (p.Gln690His). This variant is present in population databases (rs769734235, gnomAD 0.002%). This variant has not been reported in the literature in individuals affected with SCN3A-related conditions. ClinVar contains an entry for this variant (Variation ID: 1363935). Algorithms developed to predict the effect of missense changes on protein structure and function (SIFT, PolyPhen-2, Align-GVGD) all suggest that this variant is likely to be tolerated. In summary, the available evidence is currently insufficient to determine the role of this variant in disease. Therefore, it has been classified as a Variant of Uncertain Significance.